The following is an entry in ClinVar:

ClinVar aggregate classification (germline): Likely pathogenic (1 of 4 stars; one submission).

Conditions:
Cardiovascular phenotype. Identifiers: MedGen CN230736.

Submission:

Ambry Genetics
Classification: Likely pathogenic for Cardiovascular phenotype. Last evaluated: 2026-04-06. Review status: criteria provided, single submitter. Criteria: Ambry Variant Classification Scheme 2023. Collection method: clinical testing. Allele origin: germline.
Comment: The c.57754_57755insGTAAA variant, located in coding exon 153 of the TTN gene, results from an insertion of 5 nucleotides at position 57754, causing a translational frameshift with a predicted alternate stop codon (p.L19252Rfs*33). This exon is located in the A-band region of the N2-B isoform of the titin protein and is constitutively expressed in TTN transcripts (percent spliced in or PSI 100%). This variant is considered to be rare based on population cohorts in the Genome Aggregation Database (gnomAD). This variant is expected to result in loss of function by premature protein truncation or nonsense-mediated mRNA decay. While truncating variants in TTN are present in 1-3% of the general population, truncating variants in the A-band are the most common cause of dilated cardiomyopathy (Herman DS et al. N. Engl. J. Med., 2012 Feb;366:619-28; Roberts AM et al. Sci Transl Med, 2015 Jan;7:270ra6). TTN truncating variants encoded in constitutive exons (PSI >90%) have been found to be significantly associated with DCM regardless of their position in titin (Schafer S et al. Nat. Genet., 2017 01;49:46-53; Akhtar MM et al. Circ Heart Fail, 2020 Oct;13:e006832; Massier M et al. Clin Genet, 2025 Jan). Based on the majority of available evidence to date, this variant is likely to be pathogenic.

NM_001267550.2(TTN):c.84949_84950insGTAAA (p.Leu28317fs)

Genes: TTN (titin; minus strand), TTN-AS1 (TTN antisense RNA 1; plus strand). Cytogenetic location: 2q31.2.
Variant type: Insertion.
Coding change: c.84949_84950insGTAAA on transcript NM_001267550.2 (MANE Select); coding-DNA positions 84949 to 84950, GTAAA inserted.
Protein change: p.Leu28317fs; shifts the reading frame from leucine 28317.
Molecular consequence: frameshift variant.
Genome position: GRCh38 VCF-style: chr2-178561182-A-ATTTAC. GRCh37 (hg19) VCF-style: chr2-179425909-A-ATTTAC.
Other names: c.80026_80027insGTAAA, p.Leu26676fs (NM_001256850.1); c.57754_57755insGTAAA, p.Leu19252fs (NM_003319.4); c.77245_77246insGTAAA, p.Leu25749fs (NM_133378.4); c.58129_58130insGTAAA, p.Leu19377fs (NM_133432.3); c.58330_58331insGTAAA, p.Leu19444fs (NM_133437.4); short protein forms L19252fs, L19377fs, L19444fs, L25749fs, L26676fs, L28317fs.
Identifiers: ClinVar variation 4866187 (VCV004866187.1).
Genomic context (GRCh38, chr2:178,561,182, plus strand): 5'-CTAACTGAGTCAGCAGCATTCCTTGCAAAAACCCGGAATTCATAACGCTGATCTTCAGTA[A>ATTTAC]GTTCAGTTACTTCAAAGTATGTTTCTTGTATATTAGTATAATTGCACTTCAGCCACCGGC-3'